The following is an entry in ClinVar:

ClinVar aggregate classification (germline): Likely benign. Review status: criteria provided, multiple submitters, no conflicts (2 of 4 stars). 4 submissions from 4 submitters: Likely benign (4). Last evaluated 2026-05-03.

Conditions:
PLEC-related disorder. Also called: PLEC-related disorders; PLEC-related condition.
Autosomal recessive limb-girdle muscular dystrophy type 2Q (LGMDR17). Also called: MUSCULAR DYSTROPHY, LIMB-GIRDLE, AUTOSOMAL RECESSIVE 17. Identifiers: Orphanet 254361, MedGen C3150989, MONDO:0013390, OMIM 613723.
Epidermolysis bullosa simplex 5B, with muscular dystrophy (EBS5B). Also called: EPIDERMOLYSIS BULLOSA SIMPLEX AND LIMB-GIRDLE MUSCULAR DYSTROPHY; Epidermolysis bullosa simplex with muscular dystrophy. Identifiers: Orphanet 257, MedGen C2931072, MONDO:0009181, OMIM 226670.
Epidermolysis bullosa simplex with nail dystrophy (EBS5D). Identifiers: MedGen C4225309, MONDO:0014661, OMIM 616487.
Epidermolysis bullosa simplex, Ogna type (EBS5A). Also called: Pidermolysis bullosa simplex 5A, Ogna type; EPIDERMOLYSIS BULLOSA SIMPLEX 5A, OGNA TYPE. Identifiers: Orphanet 79401, MedGen C0432317, MONDO:0007555, OMIM 131950.
Epidermolysis bullosa simplex 5C, with pyloric atresia (EBS5C). Also called: PLEC1-Related Epidermolysis Bullosa with Pyloric Atresia; PLEC-Related Epidermolysis Bullosa with Pyloric Atresia; Epidermolysis bullosa simplex with pyloric atresia. Identifiers: Orphanet 158684, MedGen C2677349, MONDO:0012807, OMIM 612138.

Allele frequency attached by ClinVar (database versions not stated): ExAC 0.00009; gnomAD exomes 0.00009 and 0.00005; gnomAD 0.00015 and 0.00016; TOPMed 0.00019; ESP Exome Variant Server 0.00008; 1000 Genomes Project 30x 0.00047; 1000 Genomes Project 0.00060.
gnomAD v4.1: 118 of 1,596,288 alleles (0.0074%); highest among the groups gnomAD compares: East Asian, 0.06%; 1 homozygote.

Submissions (4):

PreventionGenetics, part of Exact Sciences
Classification: Likely benign for PLEC-related condition. Last evaluated: 2026-05-03. Review status: criteria provided, single submitter. Criteria: ACMG Guidelines, 2015. Collection method: clinical testing. Allele origin: germline.
Comment: This variant is classified as likely benign based on ACMG/AMP sequence variant interpretation guidelines (Richards et al. 2015 PMID: 25741868, with internal and published modifications).

Labcorp Genetics (formerly Invitae), Labcorp
Classification: Likely benign for Autosomal recessive limb-girdle muscular dystrophy type 2Q; Epidermolysis bullosa simplex, Ogna type; Epidermolysis bullosa simplex with nail dystrophy; Epidermolysis bullosa simplex 5C, with pyloric atresia; Epidermolysis bullosa simplex 5B, with muscular dystrophy. Last evaluated: 2025-12-21. Review status: criteria provided, single submitter. Criteria: Invitae Variant Classification Sherloc (09022015). Collection method: clinical testing. Allele origin: germline.

Blueprint Genetics
Classification: Likely benign. Last evaluated: 2024-11-06. Review status: criteria provided, single submitter. Criteria: ACMG Guidelines, 2015. Collection method: clinical testing. Allele origin: germline.

GeneDx
Classification: Likely benign. Last evaluated: 2016-04-26. Review status: criteria provided, single submitter. Criteria: GeneDx Variant Classification (06012015). Collection method: clinical testing. Allele origin: germline. Affected: yes.
Comment: This variant is considered likely benign or benign based on one or more of the following criteria: it is a conservative change, it occurs at a poorly conserved position in the protein, it is predicted to be benign by multiple in silico algorithms, and/or has population frequency not consistent with disease.

NM_201384.3(PLEC):c.5652C>T (p.Ala1884=)

Gene: PLEC (plectin; minus strand). Cytogenetic location: 8q24.3.
Variant type: single nucleotide variant.
Coding change: c.5652C>T on transcript NM_201384.3 (MANE Select); coding-DNA position 5652, C replaced by T.
Protein change: p.Ala1884=; no amino-acid change (alanine 1884 retained).
Molecular consequence: synonymous variant.
Genome position (GRCh38, 1-based): chr8:143,924,277, G>A on the plus strand (C>T on the coding strand, the complement: PLEC is on the minus strand). VCF-style: chr8-143924277-G-A. GRCh37 (hg19) VCF-style: chr8-144998445-G-A.
Other names: c.5733C>T, p.Ala1911= (NM_000445.5); c.5610C>T, p.Ala1870= (NM_201378.4); c.5586C>T, p.Ala1862= (NM_201379.3); c.6063C>T, p.Ala2021= (NM_201380.4); c.5556C>T, p.Ala1852= (NM_201381.3); c.5652C>T, p.Ala1884= (NM_201382.4); c.5664C>T, p.Ala1888= (NM_201383.3).
Identifiers: ClinVar variation 385253 (VCV000385253.16), dbSNP rs375064227, ClinGen allele CA4926283.